The following is an entry in ClinVar:

ClinVar aggregate classification (germline): Uncertain significance. Review status: criteria provided, multiple submitters, no conflicts (2 of 4 stars). 2 submissions from 2 submitters: Uncertain significance (2). Last evaluated 2024-07-27.

Conditions:
Inborn genetic diseases. Identifiers: MedGen C0950123, MeSH D030342.

Allele frequency attached by ClinVar (database versions not stated): gnomAD exomes 0.00001.
gnomAD v4.1: 9 of 1,614,052 alleles (0.00056%); highest among the groups gnomAD compares: Admixed American, 0.0017%; no homozygotes.

Submissions (2):

Ambry Genetics
Classification: Uncertain significance for Inborn genetic diseases. Last evaluated: 2024-07-27. Review status: criteria provided, single submitter. Criteria: Ambry Variant Classification Scheme 2023. Collection method: clinical testing. Allele origin: germline.

Labcorp Genetics (formerly Invitae), Labcorp
Classification: Uncertain significance. Last evaluated: 2022-08-09. Review status: criteria provided, single submitter. Criteria: Invitae Variant Classification Sherloc (09022015). Collection method: clinical testing. Allele origin: germline.
Comment: This sequence change replaces arginine, which is basic and polar, with histidine, which is basic and polar, at codon 1510 of the EPRS protein (p.Arg1510His). This variant is present in population databases (no rsID available, gnomAD 0.004%). This variant has not been reported in the literature in individuals affected with EPRS-related conditions. Algorithms developed to predict the effect of missense changes on protein structure and function are either unavailable or do not agree on the potential impact of this missense change (SIFT: "Deleterious"; PolyPhen-2: "Probably Damaging"; Align-GVGD: "Class C0"). In summary, the available evidence is currently insufficient to determine the role of this variant in disease. Therefore, it has been classified as a Variant of Uncertain Significance.

NM_004446.3(EPRS1):c.4529G>A (p.Arg1510His)

Gene: EPRS1 (glutamyl-prolyl-tRNA synthetase 1; minus strand). Cytogenetic location: 1q41.
Variant type: single nucleotide variant.
Coding change: c.4529G>A on transcript NM_004446.3 (MANE Select); coding-DNA position 4529, G replaced by A.
Protein change: p.Arg1510His; replaces arginine 1510 with histidine.
Molecular consequence: missense variant.
Genome position (GRCh38, 1-based): chr1:219,968,816, C>T on the plus strand (G>A on the coding strand, the complement: EPRS1 is on the minus strand). VCF-style: chr1-219968816-C-T. GRCh37 (hg19) VCF-style: chr1-220142158-C-T.
Other names: c.4529G>A (NM_004446.2); short protein forms R1510H.
Identifiers: ClinVar variation 1902279 (VCV001902279.3), dbSNP rs1196727449, ClinGen allele CA344620991.